The following is an entry in ClinVar:

NM_001395656.1(ROBO2):c.3945T>C (p.Asp1315=)

Gene: ROBO2 (roundabout guidance receptor 2; plus strand). Cytogenetic location: 3p12.3.
Variant type: single nucleotide variant.
Coding change: c.3945T>C on transcript NM_001395656.1 (MANE Select); coding-DNA position 3945, T replaced by C.
Protein change: p.Asp1315=; no amino-acid change (aspartic acid 1315 retained).
Molecular consequence: synonymous variant. On other transcripts: intron variant (1).
Genome position (GRCh38, 1-based): chr3:77,635,042, T>C. VCF-style: chr3-77635042-T-C. GRCh37 (hg19) VCF-style: chr3-77684193-T-C.
Other names: c.3981T>C, p.Asp1327= (NM_001128929.3); c.3945T>C, p.Asp1315= (NM_001290039.2); c.4128T>C, p.Asp1376= (NM_001290040.2, NM_001394212.1, NM_001395657.1); c.2154T>C, p.Asp718= (NM_001290065.2); c.3993T>C, p.Asp1331= (NM_001378190.1, NM_001378200.1, NM_001378201.1); c.4119T>C, p.Asp1373= (NM_001378191.1, NM_001378195.1, NM_001378196.1); c.4014T>C, p.Asp1338= (NM_001378192.1, NM_001378198.1, NM_001378199.1); c.3933T>C, p.Asp1311= (NM_001378193.1, NM_002942.5); and 6 more.
Identifiers: ClinVar variation 4762642 (VCV004762642.1).
Genomic context (GRCh38, chr3:77,635,042, plus strand): 5'-CAAGGGAGGGCGGATGGACCAACAACCAGCATTGCCTCATCGAAGGGAAGGAATGACAGA[T>C]GGTAGGTTTCTTCCCTTTACTCTTGTTTCCTCGCTGAAGAGACGTGCTCCATGCAATCAT-3'
Protein context (NP_001382585.1, residues 1305-1325): ALPHRREGMT[Asp1315=]DLPPPPDPPP

ClinVar aggregate classification (germline): Uncertain significance (1 of 4 stars; one submission).

gnomAD v4.1: 3 of 1,614,064 alleles (0.00019%); highest among the groups gnomAD compares: Non-Finnish European, 0.00025%; no homozygotes.

Submission:

Labcorp Genetics (formerly Invitae), Labcorp
Classification: Uncertain significance. Last evaluated: 2025-07-08. Review status: criteria provided, single submitter. Criteria: Invitae Variant Classification Sherloc (09022015). Collection method: clinical testing. Allele origin: germline.
Comment: This sequence change affects codon 1311 of the ROBO2 mRNA. It is a 'silent' change, meaning that it does not change the encoded amino acid sequence of the ROBO2 protein. It affects a nucleotide within the consensus splice site. This variant is not present in population databases (gnomAD no frequency). This variant has not been reported in the literature in individuals affected with ROBO2-related conditions. Algorithms developed to predict the effect of sequence changes on RNA splicing suggest that this variant is not likely to affect RNA splicing. In summary, the available evidence is currently insufficient to determine the role of this variant in disease. Therefore, it has been classified as a Variant of Uncertain Significance.